The following is an entry in ClinVar:

NM_007294.4(BRCA1):c.1633G>T (p.Val545Leu)

Gene: BRCA1 (BRCA1 DNA repair associated; minus strand). Cytogenetic location: 17q21.31.
Variant type: single nucleotide variant.
Coding change: c.1633G>T on transcript NM_007294.4 (MANE Select); coding-DNA position 1633, G replaced by T.
Protein change: p.Val545Leu; replaces valine 545 with leucine.
Molecular consequence: missense variant. On other transcripts: intron variant (137).
Genome position (GRCh38, 1-based): chr17:43,093,898, C>A on the plus strand (G>T on the coding strand, the complement: BRCA1 is on the minus strand). VCF-style: chr17-43093898-C-A. GRCh37 (hg19) VCF-style: chr17-41245915-C-A.
Other names: c.1633G>T, p.Val545Leu (NM_001407641.1, NM_001407642.1, NM_001407652.1 and 30 more transcripts); c.1630G>T, p.Val544Leu (NM_001407644.1, NM_001407645.1, NM_001407860.1 and 22 more transcripts); c.1624G>T, p.Val542Leu (NM_001407646.1, NM_001407647.1); c.1510G>T, p.Val504Leu (NM_001407648.1, NM_001407665.1, NM_001407666.1 and 19 more transcripts); c.1507G>T, p.Val503Leu (NM_001407649.1, NM_001407670.1, NM_001407671.1 and 11 more transcripts); c.1555G>T, p.Val519Leu (NM_001407653.1, NM_001407656.1, NM_001407654.1 and 4 more transcripts); c.1552G>T, p.Val518Leu (NM_001407659.1, NM_001407660.1, NM_001407661.1 and 1 more transcripts); c.1489G>T, p.Val497Leu (NM_001407842.1, NM_001407843.1, NM_001407844.1 and 20 more transcripts); and 40 more; short protein forms V498L, V545L, V249L, V474L, V477L, V503L, V377L, V434L.
Identifiers: ClinVar variation 1014279 (VCV001014279.12), dbSNP rs1304908704, ClinGen allele CA10598772.

ClinVar aggregate classification (germline): Conflicting classifications of pathogenicity. Review status: criteria provided, conflicting classifications (1 of 4 stars). 3 submissions from 3 submitters: Uncertain significance (2); Likely benign (1). Last evaluated 2023-03-23.

Conditions:
Hereditary cancer-predisposing syndrome. Also called: Hereditary Cancer Syndrome; Tumor predisposition; Neoplastic Syndromes, Hereditary; Hereditary neoplastic syndrome. Identifiers: Orphanet 140162, MedGen C0027672, MeSH D009386, MONDO:0015356.
Hereditary breast ovarian cancer syndrome. Also called: Hereditary breast and ovarian cancer syndrome (HBOC); Hereditary breast and/or ovarian cancer syndrome; BRCA1- and BRCA2-Associated Hereditary Breast and Ovarian Cancer; Hereditary breast and ovarian cancer syndrome; Hereditary breast and ovarian cancer; Breast and ovarian cancer. Identifiers: Orphanet 145, MedGen C0677776, MeSH D061325, MONDO:0003582. Disease mechanism: loss of function.

Submissions (3):

University of Washington Department of Laboratory Medicine, University of Washington
Classification: Likely benign for Hereditary cancer-predisposing syndrome. Last evaluated: 2023-03-23. Review status: criteria provided, single submitter. Criteria: Dines et al. (Genet Med. 2020). Collection method: curation. Allele origin: germline.
Comment: Missense variant in a coldspot region where missense variants are very unlikely to be pathogenic (PMID:31911673).

BRCA1 coldspot (exon 11 using historical exon numbering). Reclassification based on statistical prior probability

Ambry Genetics
Classification: Uncertain significance for Hereditary cancer-predisposing syndrome. Last evaluated: 2023-03-15. Review status: criteria provided, single submitter. Criteria: Ambry Variant Classification Scheme 2023. Collection method: clinical testing. Allele origin: germline.
Comment: The p.V545L variant (also known as c.1633G>T), located in coding exon 9 of the BRCA1 gene, results from a G to T substitution at nucleotide position 1633. The valine at codon 545 is replaced by leucine, an amino acid with highly similar properties. This amino acid position is not well conserved in available vertebrate species. In addition, this alteration is predicted to be deleterious by in silico analysis. Since supporting evidence is limited at this time, the clinical significance of this alteration remains unclear.

Labcorp Genetics (formerly Invitae), Labcorp
Classification: Uncertain significance for Hereditary breast ovarian cancer syndrome. Last evaluated: 2021-10-16. Review status: criteria provided, single submitter. Criteria: Invitae Variant Classification Sherloc (09022015). Collection method: clinical testing. Allele origin: germline.
Comment: Algorithms developed to predict the effect of missense changes on protein structure and function (SIFT, PolyPhen-2, Align-GVGD) all suggest that this variant is likely to be tolerated. This variant has not been reported in the literature in individuals affected with BRCA1-related conditions. This variant is not present in population databases (ExAC no frequency). In summary, the available evidence is currently insufficient to determine the role of this variant in disease. Therefore, it has been classified as a Variant of Uncertain Significance. This sequence change replaces valine with leucine at codon 545 of the BRCA1 protein (p.Val545Leu). The valine residue is moderately conserved and there is a small physicochemical difference between valine and leucine.